The following is an entry in ClinVar:

ClinVar aggregate classification (germline): Uncertain significance (1 of 4 stars; one submission).

Allele frequency attached by ClinVar (database versions not stated): gnomAD 0.00002; TOPMed 0.00002; gnomAD exomes 0.00003.
gnomAD v4.1: 49 of 1,581,202 alleles (0.0031%); highest among the groups gnomAD compares: Non-Finnish European, 0.0041%; no homozygotes.

Submission:

Labcorp Genetics (formerly Invitae), Labcorp
Classification: Uncertain significance. Last evaluated: 2022-03-08. Review status: criteria provided, single submitter. Criteria: Invitae Variant Classification Sherloc (09022015). Collection method: clinical testing. Allele origin: germline.
Comment: In summary, the available evidence is currently insufficient to determine the role of this variant in disease. Therefore, it has been classified as a Variant of Uncertain Significance. Algorithms developed to predict the effect of missense changes on protein structure and function (SIFT, PolyPhen-2, Align-GVGD) all suggest that this variant is likely to be tolerated. This variant has not been reported in the literature in individuals affected with SPEG-related conditions. This variant is present in population databases (no rsID available, gnomAD 0.007%). This sequence change replaces threonine, which is neutral and polar, with isoleucine, which is neutral and non-polar, at codon 1579 of the SPEG protein (p.Thr1579Ile).

NM_005876.5(SPEG):c.4736C>T (p.Thr1579Ile)

Gene: SPEG (striated muscle enriched protein kinase; plus strand). Cytogenetic location: 2q35.
Variant type: single nucleotide variant.
Coding change: c.4736C>T on transcript NM_005876.5 (MANE Select); coding-DNA position 4736, C replaced by T.
Protein change: p.Thr1579Ile; replaces threonine 1579 with isoleucine.
Molecular consequence: missense variant.
Genome position (GRCh38, 1-based): chr2:219,477,695, C>T. VCF-style: chr2-219477695-C-T. GRCh37 (hg19) VCF-style: chr2-220342417-C-T.
Other names: short protein forms T1579I.
Identifiers: ClinVar variation 2184308 (VCV002184308.4), dbSNP rs1181071657, ClinGen allele CA350683440.